The following is an entry in ClinVar:

ClinVar aggregate classification (germline): Pathogenic (1 of 4 stars; one submission).

Conditions:
Familial intrahepatic cholestasis. Identifiers: Orphanet 284385, MedGen CN296401, MONDO:0017290.

Submission:

Genomenon, Inc
Classification: Pathogenic for Familial intrahepatic cholestasis. Last evaluated: 2026-04-14. Review status: criteria provided, single submitter. Criteria: Genomenon Sequence Variant Interpretation Standards - Updated. Collection method: curation. Allele origin: germline. Affected: yes.
Comment: ATP8B1 p.Ile129ThrfsTer38 (c.386_390del) is a frameshift variant that results in the production of a truncated protein which is predicted to undergo nonsense-mediated mRNA decay. This variant has been observed in at least one proband with features of ATP8B1-deficiency (PMID:33915153). It is absent or not present at a significant frequency in gnomAD. In conclusion, we classify ATP8B1 p.Ile129ThrfsTer38 (c.386_390del) as a pathogenic variant.

Literature cited by the submitters: PubMed 33915153.

NM_001374385.1(ATP8B1):c.386_390del (p.Ile129fs)

Gene: ATP8B1 (ATPase phospholipid transporting 8B1; minus strand). Cytogenetic location: 18q21.31.
Variant type: Microsatellite.
Coding change: c.386_390del on transcript NM_001374385.1 (MANE Select); coding-DNA positions 386 to 390, 5 bases deleted (TCTTA; older notation c.386_390delTCTTA).
Protein change: p.Ile129fs; shifts the reading frame from isoleucine 129.
Molecular consequence: frameshift variant.
Genome position (GRCh38, 1-based): chr18:57,704,558-57,704,562, TAAGA deleted on the plus strand (TCTTA on the coding strand, the reverse complement: ATP8B1 is on the minus strand); deleting any 5 consecutive bases within chr18:57,704,558-57,704,567 gives the same sequence; the c. name uses the placement nearest the transcript's 3' end. VCF-style (leftmost placement, unchanged base first): chr18-57704557-GTAAGA-G. GRCh37 (hg19) VCF-style: chr18-55371789-GTAAGA-G.
Other names: c.236_240del, p.Ile79fs (NM_001374386.1); c.386_390del, p.Ile129fs (NM_005603.6); short protein forms I129fs, I79fs.
Identifiers: ClinVar variation 4846194 (VCV004846194.1).
Genomic context (GRCh38, chr18:57,704,557, plus strand): 5'-CTTAAATGTTATCGAGTCACTATAATTCAAACAGATTTAAGATAGCAAAGGGCATTACCT[GTAAGA>G]TAAGAAGAGCCAGGAAATATAAATTGGCTGCTCTCTTAAACTGCTCAAACAGATTCATTG-3'